The following is an entry in ClinVar:

ClinVar aggregate classification (germline): Uncertain significance (1 of 4 stars; one submission).

Submission:

GeneDx
Classification: Uncertain significance. Last evaluated: 2022-09-12. Review status: criteria provided, single submitter. Criteria: GeneDx Variant Classification Process June 2021. Collection method: clinical testing. Allele origin: germline. Affected: yes.
Comment: Not observed at significant frequency in large population cohorts (gnomAD); In silico analysis supports that this missense variant does not alter protein structure/function; Reported using an alternate transcript of the gene; Has not been previously published as pathogenic or benign to our knowledge

NM_032217.5(ANKRD17):c.134C>G (p.Ala45Gly)

Genes: ANKRD17 (ankyrin repeat domain 17; minus strand), LOC129992670 (ATAC-STARR-seq lymphoblastoid silent region 15476; plus strand). Cytogenetic location: 4q13.3.
Variant type: single nucleotide variant.
Coding change: c.134C>G on transcript NM_032217.5 (MANE Select); coding-DNA position 134, C replaced by G.
Protein change: p.Ala45Gly; replaces alanine 45 with glycine.
Molecular consequence: missense variant.
Genome position (GRCh38, 1-based): chr4:73,258,535, G>C on the plus strand (C>G on the coding strand, the complement: ANKRD17 is on the minus strand). VCF-style: chr4-73258535-G-C. GRCh37 (hg19) VCF-style: chr4-74124252-G-C.
Other names: c.134C>G, p.Ala45Gly (NM_015574.2, NM_198889.3); short protein forms A45G.
Identifiers: ClinVar variation 2443447 (VCV002443447.1), dbSNP rs1483497300, ClinGen allele CA357436018.